The following is an entry in ClinVar:

NM_003500.4(ACOX2):c.1434C>T (p.Thr478=)

Gene: ACOX2 (acyl-CoA oxidase 2; minus strand). Cytogenetic location: 3p14.3.
Variant type: single nucleotide variant.
Coding change: c.1434C>T on transcript NM_003500.4 (MANE Select); coding-DNA position 1434, C replaced by T.
Protein change: p.Thr478=; no amino-acid change (threonine 478 retained).
Molecular consequence: synonymous variant.
Genome position (GRCh38, 1-based): chr3:58,524,518, G>A on the plus strand (C>T on the coding strand, the complement: ACOX2 is on the minus strand). VCF-style: chr3-58524518-G-A. GRCh37 (hg19) VCF-style: chr3-58510245-G-A.
Other names: c.1434C>T (NM_003500.3).
Identifiers: ClinVar variation 3610314 (VCV003610314.3).
Genomic context (GRCh38, chr3:58,524,518, plus strand): 5'-GAGCTCCGGGCAGAGGAAGTCGGCTGCCCTCTGGGCTGGACACCTGGCCAGGTCAGGTGC[G>A]GTGAGATATGCGACAGATGGAGAGAGAGATCTCTGTGGCGTGGAGCCAGGGGACATCTGA-3'
Protein context (NP_003491.1, residues 468-488): RSLSPSVAYL[Thr478=]APDLARCPAQ

ClinVar aggregate classification (germline): Likely benign. Review status: criteria provided, multiple submitters, no conflicts (2 of 4 stars). 2 submissions from 2 submitters: Likely benign (2). Last evaluated 2025-11-02.

Conditions:
ACOX2-related disorder. Also called: ACOX2-related condition.

gnomAD v4.1: 17 of 1,614,190 alleles (0.0011%); highest among the groups gnomAD compares: African/African-American, 0.011%; no homozygotes.

Submissions (2):

PreventionGenetics, part of Exact Sciences
Classification: Likely benign for ACOX2-related condition. Last evaluated: 2025-11-02. Review status: criteria provided, single submitter. Criteria: ACMG Guidelines, 2015. Collection method: clinical testing. Allele origin: germline.
Comment: This variant is classified as likely benign based on ACMG/AMP sequence variant interpretation guidelines (Richards et al. 2015 PMID: 25741868, with internal and published modifications).

Labcorp Genetics (formerly Invitae), Labcorp
Classification: Likely benign. Last evaluated: 2025-04-17. Review status: criteria provided, single submitter. Criteria: Invitae Variant Classification Sherloc (09022015). Collection method: clinical testing. Allele origin: germline.